The following is an entry in ClinVar:

NM_020919.4(ALS2):c.2647G>A (p.Gly883Ser)

Gene: ALS2 (alsin Rho guanine nucleotide exchange factor ALS2; minus strand). Cytogenetic location: 2q33.1.
Variant type: single nucleotide variant.
Coding change: c.2647G>A on transcript NM_020919.4 (MANE Select); coding-DNA position 2647, G replaced by A.
Protein change: p.Gly883Ser; replaces glycine 883 with serine.
Molecular consequence: missense variant.
Genome position (GRCh38, 1-based): chr2:201,729,117, C>T on the plus strand (G>A on the coding strand, the complement: ALS2 is on the minus strand). VCF-style: chr2-201729117-C-T. GRCh37 (hg19) VCF-style: chr2-202593840-C-T.
Other names: c.2647G>A (NM_020919.3); c.2647G>A, p.Gly883Ser (NM_001410975.1); short protein forms G883S.
Identifiers: ClinVar variation 2078866 (VCV002078866.24), dbSNP rs771756963, ClinGen allele CA63943091.

ClinVar aggregate classification (germline): Uncertain significance. Review status: criteria provided, multiple submitters, no conflicts (2 of 4 stars). 3 submissions from 3 submitters: Uncertain significance (3). Last evaluated 2024-10-04.

Conditions:
Inborn genetic diseases. Identifiers: MedGen C0950123, MeSH D030342.
Infantile-onset ascending hereditary spastic paralysis (IAHSP). Also called: Infantile-Onset Ascending Hereditary Spastic Paralysis (IAHSP); Autosomal Recessive Juvenile Amyotrophic Lateral Sclerosis. Identifiers: Orphanet 293168, MedGen C2931441, MONDO:0011797, OMIM 607225. Disease mechanism: loss of function.

Allele frequency attached by ClinVar (database versions not stated): TOPMed 0.00004; gnomAD 0.00005.

Submissions (3):

Labcorp Genetics (formerly Invitae), Labcorp
Classification: Uncertain significance for Infantile-onset ascending hereditary spastic paralysis. Last evaluated: 2024-10-04. Review status: criteria provided, single submitter. Criteria: Invitae Variant Classification Sherloc (09022015). Collection method: clinical testing. Allele origin: germline.
Comment: This sequence change replaces glycine, which is neutral and non-polar, with serine, which is neutral and polar, at codon 883 of the ALS2 protein (p.Gly883Ser). This variant is present in population databases (no rsID available, gnomAD 0.008%). This variant has not been reported in the literature in individuals affected with ALS2-related conditions. ClinVar contains an entry for this variant (Variation ID: 2078866). Invitae Evidence Modeling of protein sequence and biophysical properties (such as structural, functional, and spatial information, amino acid conservation, physicochemical variation, residue mobility, and thermodynamic stability) indicates that this missense variant is not expected to disrupt ALS2 protein function with a negative predictive value of 80%. In summary, the available evidence is currently insufficient to determine the role of this variant in disease. Therefore, it has been classified as a Variant of Uncertain Significance.

Ambry Genetics
Classification: Uncertain significance for Inborn genetic diseases. Last evaluated: 2024-08-19. Review status: criteria provided, single submitter. Criteria: Ambry Variant Classification Scheme 2023. Collection method: clinical testing. Allele origin: germline.

CeGaT Center for Human Genetics Tuebingen
Classification: Uncertain significance. Last evaluated: 2024-05-01. Review status: criteria provided, single submitter. Criteria: CeGaT Center For Human Genetics Tuebingen Variant Classification Criteria Version 2. Collection method: clinical testing. Allele origin: germline. Affected: yes. Observed: 1 variant allele.